The following is an entry in ClinVar:

NM_001370259.2(MEN1):c.739dup (p.Ile247fs)

Gene: MEN1 (menin 1; minus strand). Cytogenetic location: 11q13.1.
Variant type: Duplication.
Coding change: c.739dup on transcript NM_001370259.2 (MANE Select); coding-DNA position 739, one base duplicated (A; older notation c.739dupA).
Protein change: p.Ile247fs; shifts the reading frame from isoleucine 247.
Molecular consequence: frameshift variant.
Genome position (GRCh38, 1-based): chr11:64,807,596, T duplicated on the plus strand (A on the coding strand, the reverse complement: MEN1 is on the minus strand). VCF-style (leftmost placement, unchanged base first): chr11-64807595-A-AT. GRCh37 (hg19) VCF-style: chr11-64575067-A-AT.
Other names: c.739dup, p.Ile247fs (NM_001370251.2, NM_001370260.2, NM_001370261.2 and 1 more transcripts); c.754dup, p.Ile252fs (NM_000244.4, NM_130800.3, NM_130801.3 and 3 more transcripts); c.634dup, p.Ile212fs (NM_001370262.2, NM_001370263.2); short protein forms I212fs, I247fs, I252fs.
Identifiers: ClinVar variation 1074511 (VCV001074511.8), dbSNP rs2136141104, ClinGen allele CA2499221160.

ClinVar aggregate classification (germline): Pathogenic (1 of 4 stars; one submission).

Conditions:
Multiple endocrine neoplasia, type 1 (MEN1). Also called: MEN I; WERMER SYNDROME; Endocrine adenomatosis multiple; MEN 1; MEA I. Identifiers: Orphanet 652, MedGen C0025267, MeSH D018761, MONDO:0007540, OMIM 131100.

Submission:

Labcorp Genetics (formerly Invitae), Labcorp
Classification: Pathogenic for Multiple endocrine neoplasia, type 1. Last evaluated: 2020-02-27. Review status: criteria provided, single submitter. Criteria: Invitae Variant Classification Sherloc (09022015). Collection method: clinical testing. Allele origin: germline.
Comment: This sequence change creates a premature translational stop signal (p.Ile247Asnfs*2) in the MEN1 gene. It is expected to result in an absent or disrupted protein product. This variant is not present in population databases (ExAC no frequency). This variant has not been reported in the literature in individuals with MEN1-related conditions. Loss-of-function variants in MEN1 are known to be pathogenic (PMID: 12112656, 17853334). For these reasons, this variant has been classified as Pathogenic.

Literature cited by the submitters: PubMed 12112656; PubMed 17853334.